The following is an entry in ClinVar:

NM_022132.5(MCCC2):c.302C>T (p.Ser101Phe)

Gene: MCCC2 (methylcrotonyl-CoA carboxylase subunit 2; plus strand). Cytogenetic location: 5q13.2.
Variant type: single nucleotide variant.
Coding change: c.302C>T on transcript NM_022132.5 (MANE Select); coding-DNA position 302, C replaced by T.
Protein change: p.Ser101Phe; replaces serine 101 with phenylalanine.
Molecular consequence: missense variant.
Genome position (GRCh38, 1-based): chr5:71,599,679, C>T. VCF-style: chr5-71599679-C-T. GRCh37 (hg19) VCF-style: chr5-70895506-C-T.
Other names: c.302C>T, p.Ser101Phe (NM_001363147.1); short protein forms S101F.
Identifiers: ClinVar variation 1324701 (VCV001324701.9), dbSNP rs748028684, ClinGen allele CA3297739.

ClinVar aggregate classification (germline): Conflicting classifications of pathogenicity. Review status: criteria provided, conflicting classifications (1 of 4 stars). 2 submissions from 2 submitters: Likely pathogenic (1); Uncertain significance (1). Last evaluated 2024-02-07.

Conditions:
3-methylcrotonyl-CoA carboxylase 2 deficiency. Also called: METHYLCROTONYLGLYCINURIA, TYPE II; 3 alpha methylcrotonyl-CoA carboxylase 2 deficiency; 3 alpha methylcrotonylglycinuria 2; MCC 2 deficiency; Methylcrotonylglycinuria type 2. Identifiers: Orphanet 6, MedGen C1859499, MONDO:0008862, OMIM 210210.

Allele frequency attached by ClinVar (database versions not stated): gnomAD exomes below 0.00001 and 0.00001; ExAC 0.00001.
gnomAD v4.1: 6 of 1,613,952 alleles (0.00037%); highest among the groups gnomAD compares: Non-Finnish European, 0.00042%; no homozygotes.

Submissions (2):

Baylor Genetics
Classification: Likely pathogenic for 3-methylcrotonyl-CoA carboxylase 2 deficiency. Last evaluated: 2024-02-07. Review status: criteria provided, single submitter. Criteria: ACMG Guidelines, 2015. Collection method: clinical testing. Allele origin: unknown.

Labcorp Genetics (formerly Invitae), Labcorp
Classification: Uncertain significance for 3-methylcrotonyl-CoA carboxylase 2 deficiency. Last evaluated: 2021-12-08. Review status: criteria provided, single submitter. Criteria: Invitae Variant Classification Sherloc (09022015). Collection method: clinical testing. Allele origin: germline.
Comment: In summary, the available evidence is currently insufficient to determine the role of this variant in disease. Therefore, it has been classified as a Variant of Uncertain Significance. Advanced modeling of protein sequence and biophysical properties (such as structural, functional, and spatial information, amino acid conservation, physicochemical variation, residue mobility, and thermodynamic stability) performed at Invitae indicates that this missense variant is expected to disrupt MCCC2 protein function. This missense change has been observed in individual(s) with 3 methylcrotonyl-CoA carboxylase deficiency (PMID: 16835865). This variant is present in population databases (rs748028684, gnomAD 0.002%). This sequence change replaces serine, which is neutral and polar, with phenylalanine, which is neutral and non-polar, at codon 101 of the MCCC2 protein (p.Ser101Phe).

Literature cited by the submitters: PubMed 16835865 (cited by Labcorp Genetics (formerly Invitae), Labcorp).